The following is an entry in ClinVar:

NM_002838.5(PTPRC):c.3021T>A (p.Asp1007Glu)

Gene: PTPRC (protein tyrosine phosphatase receptor type C; plus strand). Cytogenetic location: 1q32.1.
Variant type: single nucleotide variant.
Coding change: c.3021T>A on transcript NM_002838.5 (MANE Select); coding-DNA position 3021, T replaced by A.
Protein change: p.Asp1007Glu; replaces aspartic acid 1007 with glutamic acid.
Molecular consequence: missense variant.
Genome position (GRCh38, 1-based): chr1:198,749,498, T>A. VCF-style: chr1-198749498-T-A. GRCh37 (hg19) VCF-style: chr1-198718627-T-A.
Other names: c.2538T>A, p.Asp846Glu (NM_080921.4); short protein forms D846E, D1007E.
Identifiers: ClinVar variation 1909239 (VCV001909239.5), dbSNP rs368408007, ClinGen allele CA1315307.
Genomic context (GRCh38, chr1:198,749,498, plus strand): 5'-TAAACATGAGCTGGAAATGAGTAAAGAGAGTGAGCATGATTCAGATGAATCCTCTGATGA[T>A]GACAGTGATTCAGAGGAACCAAGCAAATACATCAATGCATCTTTTATAATGGTAGGTACT-3'
Protein context (NP_002829.3, residues 997-1017): SEHDSDESSD[Asp1007Glu]DSDSEEPSKY

ClinVar aggregate classification (germline): Uncertain significance (1 of 4 stars; one submission).

Conditions:
Immunodeficiency 104. Also called: Severe combined immunodeficiency, autosomal recessive, T cell-negative, B cell-positive, NK cell-positive; SCID, AUTOSOMAL RECESSIVE, T CELL-NEGATIVE, B CELL-POSITIVE, NK CELL-POSITIVE; Severe Combined Immune Deficiency, Autosomal Recessive, TCell -Negative, B Cell-Positive, NK Cell-Positive, IL7R-Related; IMMUNODEFICIENCY 104, SEVERE COMBINED. Identifiers: MedGen C5676890, MONDO:0012163, OMIM 608971.

Allele frequency attached by ClinVar (database versions not stated): ExAC 0.00001; gnomAD 0.00001; TOPMed 0.00001; ESP Exome Variant Server 0.00008.
gnomAD v4.1: 21 of 1,610,186 alleles (0.0013%); highest among the groups gnomAD compares: Non-Finnish European, 0.0018%; no homozygotes.

Submission:

Labcorp Genetics (formerly Invitae), Labcorp
Classification: Uncertain significance for Immunodeficiency 104. Last evaluated: 2025-01-13. Review status: criteria provided, single submitter. Criteria: Invitae Variant Classification Sherloc (09022015). Collection method: clinical testing. Allele origin: germline.
Comment: This sequence change replaces aspartic acid, which is acidic and polar, with glutamic acid, which is acidic and polar, at codon 1007 of the PTPRC protein (p.Asp1007Glu). This variant is present in population databases (rs368408007, gnomAD 0.0009%). This variant has not been reported in the literature in individuals affected with PTPRC-related conditions. ClinVar contains an entry for this variant (Variation ID: 1909239). An algorithm developed to predict the effect of missense changes on protein structure and function outputs the following: PolyPhen-2: "Benign". The glutamic acid amino acid residue is found in multiple mammalian species, which suggests that this missense change does not adversely affect protein function. In summary, the available evidence is currently insufficient to determine the role of this variant in disease. Therefore, it has been classified as a Variant of Uncertain Significance.